The following is an entry in ClinVar:

NM_001003800.2(BICD2):c.1168C>A (p.Leu390Ile)

Gene: BICD2 (BICD cargo adaptor 2; minus strand). Cytogenetic location: 9q22.31.
Variant type: single nucleotide variant.
Coding change: c.1168C>A on transcript NM_001003800.2 (MANE Select); coding-DNA position 1168, C replaced by A.
Protein change: p.Leu390Ile; replaces leucine 390 with isoleucine.
Molecular consequence: missense variant.
Genome position (GRCh38, 1-based): chr9:92,719,477, G>T on the plus strand (C>A on the coding strand, the complement: BICD2 is on the minus strand). VCF-style: chr9-92719477-G-T. GRCh37 (hg19) VCF-style: chr9-95481759-G-T.
Other names: c.1168C>A, p.Leu390Ile (NM_015250.4); short protein forms L390I.
Identifiers: ClinVar variation 453090 (VCV000453090.14), dbSNP rs192669216, ClinGen allele CA5126619.
Genomic context (GRCh38, chr9:92,719,477, plus strand): 5'-GGGCTGTCTGCCGCTCCTTGCTGGCCTGCAGGCGCCGCAGGGCACTCAGATTCTCTGTGA[G>T]GCGGGTCACCTTCTCCTGCTGTTCTGACAGGGAGCCCCGCGTGTGCTCCAGCTGCTTCTG-3'
Protein context (NP_001003800.1, residues 380-400): LSEQQEKVTR[Leu390Ile]TENLSALRRL

ClinVar aggregate classification (germline): Conflicting classifications of pathogenicity. Review status: criteria provided, conflicting classifications (1 of 4 stars). 3 submissions from 3 submitters: Uncertain significance (1); Likely benign (2). Last evaluated 2025-08-15.

Conditions:
Autosomal dominant childhood-onset proximal spinal muscular atrophy with contractures (SMALED2A). Also called: Spinal muscular atrophy, lower extremity-predominant, 2A, autosomal dominant; SPINAL MUSCULAR ATROPHY, LOWER EXTREMITY-PREDOMINANT, 2A, CHILDHOOD ONSET, AUTOSOMAL DOMINANT. Identifiers: Orphanet 363447, Orphanet 363454, MedGen C4747715, MONDO:0014121, OMIM 615290.
Inborn genetic diseases. Identifiers: MedGen C0950123, MeSH D030342.

Allele frequency attached by ClinVar (database versions not stated): ExAC 0.00006; gnomAD 0.00006; TOPMed 0.00012; gnomAD exomes 0.00013; 1000 Genomes Project 0.00060; 1000 Genomes Project 30x 0.00062.
gnomAD v4.1: 47 of 1,614,104 alleles (0.0029%); highest among the groups gnomAD compares: East Asian, 0.1%; no homozygotes.

Submissions (3):

Labcorp Genetics (formerly Invitae), Labcorp
Classification: Likely benign for Autosomal dominant childhood-onset proximal spinal muscular atrophy with contractures. Last evaluated: 2025-08-15. Review status: criteria provided, single submitter. Criteria: Invitae Variant Classification Sherloc (09022015). Collection method: clinical testing. Allele origin: germline.

Ambry Genetics
Classification: Likely benign for Inborn genetic diseases. Last evaluated: 2023-02-17. Review status: criteria provided, single submitter. Criteria: Ambry Variant Classification Scheme 2023. Collection method: clinical testing. Allele origin: germline.

GeneDx
Classification: Uncertain significance. Last evaluated: 2017-11-02. Review status: criteria provided, single submitter. Criteria: GeneDx Variant Classification (06012015). Collection method: clinical testing. Allele origin: germline. Affected: yes.
Comment: A variant of uncertain significance has been identified in the BICD2 gene. The L390I variant has not been published as a pathogenic variant, nor has it been reported as a benign variant to our knowledge. The L390I variant is observed in 32/18866 (0.17%) alleles from individuals of East Asian background (Lek et al., 2016). The L390I variant is a conservative amino acid substitution, which is not likely to impact secondary protein structure as these residues share similar properties. However, this substitution occurs at a position that is conserved across species; and in silico analysis predicts this variant is probably damaging to the protein structure/function. Therefore, based on the currently available information, it is unclear whether this variant is a pathogenic variant or a rare benign variant.